The following is an entry in ClinVar:

NM_024795.4(TM4SF20):c.287T>C (p.Ile96Thr)

Gene: TM4SF20 (transmembrane 4 L six family member 20; minus strand). Cytogenetic location: 2q36.3.
Variant type: single nucleotide variant.
Coding change: c.287T>C on transcript NM_024795.4 (MANE Select); coding-DNA position 287, T replaced by C.
Protein change: p.Ile96Thr; replaces isoleucine 96 with threonine.
Molecular consequence: missense variant.
Genome position (GRCh38, 1-based): chr2:227,366,207, A>G on the plus strand (T>C on the coding strand, the complement: TM4SF20 is on the minus strand). VCF-style: chr2-227366207-A-G. GRCh37 (hg19) VCF-style: chr2-228230923-A-G.
Other names: short protein forms I96T.
Identifiers: ClinVar variation 1940780 (VCV001940780.5), dbSNP rs758626295, ClinGen allele CA2148231.

ClinVar aggregate classification (germline): Uncertain significance (1 of 4 stars; one submission).

Allele frequency attached by ClinVar (database versions not stated): ExAC 0.00001; gnomAD 0.00001; gnomAD exomes 0.00001; TOPMed 0.00001.
gnomAD v4.1: 15 of 1,613,716 alleles (0.00093%); highest among the groups gnomAD compares: Admixed American, 0.0083%; no homozygotes.

Submission:

Labcorp Genetics (formerly Invitae), Labcorp
Classification: Uncertain significance. Last evaluated: 2025-04-13. Review status: criteria provided, single submitter. Criteria: Invitae Variant Classification Sherloc (09022015). Collection method: clinical testing. Allele origin: germline.
Comment: This sequence change replaces isoleucine, which is neutral and non-polar, with threonine, which is neutral and polar, at codon 96 of the TM4SF20 protein (p.Ile96Thr). This variant is present in population databases (rs758626295, gnomAD 0.006%). This variant has not been reported in the literature in individuals affected with TM4SF20-related conditions. ClinVar contains an entry for this variant (Variation ID: 1940780). An algorithm developed to predict the effect of missense changes on protein structure and function outputs the following: PolyPhen-2: "Benign". The threonine amino acid residue is found in multiple mammalian species, which suggests that this missense change does not adversely affect protein function. In summary, the available evidence is currently insufficient to determine the role of this variant in disease. Therefore, it has been classified as a Variant of Uncertain Significance.